The following is an entry in ClinVar:

NM_058179.4(PSAT1):c.1100T>C (p.Met367Thr)

Gene: PSAT1 (phosphoserine aminotransferase 1; plus strand). Cytogenetic location: 9q21.2.
Variant type: single nucleotide variant.
Coding change: c.1100T>C on transcript NM_058179.4 (MANE Select); coding-DNA position 1100, T replaced by C.
Protein change: p.Met367Thr; replaces methionine 367 with threonine.
Molecular consequence: missense variant.
Genome position (GRCh38, 1-based): chr9:78,329,073, T>C. VCF-style: chr9-78329073-T-C. GRCh37 (hg19) VCF-style: chr9-80943989-T-C.
Other names: c.962T>C, p.Met321Thr (NM_021154.5); short protein forms M321T, M367T.
Identifiers: ClinVar variation 1720348 (VCV001720348.5), dbSNP rs2489699681, ClinGen allele CA373862545.

ClinVar aggregate classification (germline): Uncertain significance (1 of 4 stars; one submission).

Conditions:
Neu-Laxova syndrome 2. Identifiers: Orphanet 2671, Orphanet 583602, MedGen C4015019, MONDO:0014466, OMIM 616038.

Submission:

Labcorp Genetics (formerly Invitae), Labcorp
Classification: Uncertain significance for Neu-Laxova syndrome 2. Last evaluated: 2022-09-29. Review status: criteria provided, single submitter. Criteria: Invitae Variant Classification Sherloc (09022015). Collection method: clinical testing. Allele origin: germline.
Comment: In summary, the available evidence is currently insufficient to determine the role of this variant in disease. Therefore, it has been classified as a Variant of Uncertain Significance. Algorithms developed to predict the effect of missense changes on protein structure and function output the following: SIFT: "Tolerated"; PolyPhen-2: "Benign"; Align-GVGD: "Class C0". The threonine amino acid residue is found in multiple mammalian species, which suggests that this missense change does not adversely affect protein function. This variant has not been reported in the literature in individuals affected with PSAT1-related conditions. This variant is not present in population databases (gnomAD no frequency). This sequence change replaces methionine, which is neutral and non-polar, with threonine, which is neutral and polar, at codon 367 of the PSAT1 protein (p.Met367Thr).